The following is an entry in ClinVar:

NM_001378454.1(ALMS1):c.5976T>G (p.His1992Gln)

Gene: ALMS1 (ALMS1 centrosome and basal body associated protein; plus strand). Cytogenetic location: 2p13.1.
Variant type: single nucleotide variant.
Coding change: c.5976T>G on transcript NM_001378454.1 (MANE Select); coding-DNA position 5976, T replaced by G.
Protein change: p.His1992Gln; replaces histidine 1992 with glutamine.
Molecular consequence: missense variant.
Genome position (GRCh38, 1-based): chr2:73,452,503, T>G. VCF-style: chr2-73452503-T-G. GRCh37 (hg19) VCF-style: chr2-73679630-T-G.
Other names: c.5979T>G, p.His1993Gln (NM_015120.4); short protein forms H1993Q, H1992Q.
Identifiers: ClinVar variation 1353822 (VCV001353822.6), dbSNP rs2103788393, ClinGen allele CA347284202.

ClinVar aggregate classification (germline): Uncertain significance (1 of 4 stars; one submission).

Conditions:
Alstrom syndrome (ALMS). Identifiers: Orphanet 64, MedGen C0268425, MONDO:0008763, OMIM 203800.

Submission:

Labcorp Genetics (formerly Invitae), Labcorp
Classification: Uncertain significance for Alstrom syndrome. Last evaluated: 2021-05-16. Review status: criteria provided, single submitter. Criteria: Invitae Variant Classification Sherloc (09022015). Collection method: clinical testing. Allele origin: germline.
Comment: In summary, the available evidence is currently insufficient to determine the role of this variant in disease. Therefore, it has been classified as a Variant of Uncertain Significance. Experimental studies and prediction algorithms are not available or were not evaluated, and the functional significance of this variant is currently unknown. This variant has not been reported in the literature in individuals with ALMS1-related conditions. This variant is not present in population databases (ExAC no frequency). This sequence change replaces histidine with glutamine at codon 1993 of the ALMS1 protein (p.His1993Gln). The histidine residue is weakly conserved and there is a small physicochemical difference between histidine and glutamine.